The following is an entry in ClinVar:

ClinVar aggregate classification (germline): Uncertain significance (1 of 4 stars; one submission).

Allele frequency attached by ClinVar (database versions not stated): gnomAD exomes below 0.00001.
gnomAD v4.1: 1 of 1,614,066 alleles (0.000062%); highest among the groups gnomAD compares: African/African-American, 0.0013%; no homozygotes.

Submission:

Labcorp Genetics (formerly Invitae), Labcorp
Classification: Uncertain significance. Last evaluated: 2024-06-17. Review status: criteria provided, single submitter. Criteria: Invitae Variant Classification Sherloc (09022015). Collection method: clinical testing. Allele origin: germline.
Comment: This sequence change replaces histidine, which is basic and polar, with arginine, which is basic and polar, at codon 505 of the LAMC3 protein (p.His505Arg). This variant is present in population databases (no rsID available, gnomAD 0.007%). This variant has not been reported in the literature in individuals affected with LAMC3-related conditions. ClinVar contains an entry for this variant (Variation ID: 1476730). Algorithms developed to predict the effect of missense changes on protein structure and function output the following: SIFT: "Not Available"; PolyPhen-2: "Benign"; Align-GVGD: "Not Available". The arginine amino acid residue is found in multiple mammalian species, which suggests that this missense change does not adversely affect protein function. In summary, the available evidence is currently insufficient to determine the role of this variant in disease. Therefore, it has been classified as a Variant of Uncertain Significance.

NM_006059.4(LAMC3):c.1514A>G (p.His505Arg)

Gene: LAMC3 (laminin subunit gamma 3; plus strand). Cytogenetic location: 9q34.12.
Variant type: single nucleotide variant.
Coding change: c.1514A>G on transcript NM_006059.4 (MANE Select); coding-DNA position 1514, A replaced by G.
Protein change: p.His505Arg; replaces histidine 505 with arginine.
Molecular consequence: missense variant.
Genome position (GRCh38, 1-based): chr9:131,045,655, A>G. VCF-style: chr9-131045655-A-G. GRCh37 (hg19) VCF-style: chr9-133921042-A-G.
Other names: short protein forms H505R.
Identifiers: ClinVar variation 1476730 (VCV001476730.8), dbSNP rs1351959602, ClinGen allele CA375262057.